The following is an entry in ClinVar:

NM_004168.4(SDHA):c.1420T>C (p.Ser474Pro)

Gene: SDHA (succinate dehydrogenase complex flavoprotein subunit A; plus strand). Cytogenetic location: 5p15.33.
Variant type: single nucleotide variant.
Coding change: c.1420T>C on transcript NM_004168.4 (MANE Select); coding-DNA position 1420, T replaced by C.
Protein change: p.Ser474Pro; replaces serine 474 with proline.
Molecular consequence: missense variant.
Genome position (GRCh38, 1-based): chr5:236,587, T>C. VCF-style: chr5-236587-T-C. GRCh37 (hg19) VCF-style: chr5-236702-T-C.
Other names: c.1276T>C, p.Ser426Pro (NM_001294332.2); c.1420T>C, p.Ser474Pro (NM_001330758.2); short protein forms S474P, S426P.
Identifiers: ClinVar variation 1490085 (VCV001490085.8), dbSNP rs2126590674, ClinGen allele CA359014120.

ClinVar aggregate classification (germline): Uncertain significance (1 of 4 stars; one submission).

Conditions:
Mitochondrial complex II deficiency, nuclear type 1. Also called: SUCCINATE CoQ REDUCTASE DEFICIENCY. Identifiers: Orphanet 3208, MedGen C5700310, MONDO:0100294, OMIM 252011.
Pheochromocytoma/paraganglioma syndrome 5. Also called: Paragangliomas 5; SDHA-Related Hereditary Paraganglioma-Pheochromocytoma Syndrome. Identifiers: Orphanet 29072, MedGen C3279992, MONDO:0013602, OMIM 614165.

Submission:

Labcorp Genetics (formerly Invitae), Labcorp
Classification: Uncertain significance for Pheochromocytoma/paraganglioma syndrome 5; Mitochondrial complex II deficiency, nuclear type 1. Last evaluated: 2025-09-02. Review status: criteria provided, single submitter. Criteria: Invitae Variant Classification Sherloc (09022015). Collection method: clinical testing. Allele origin: germline.
Comment: This sequence change replaces serine, which is neutral and polar, with proline, which is neutral and non-polar, at codon 474 of the SDHA protein (p.Ser474Pro). This variant is not present in population databases (gnomAD no frequency). This variant has not been reported in the literature in individuals affected with SDHA-related conditions. ClinVar contains an entry for this variant (Variation ID: 1490085). Invitae Evidence Modeling of protein sequence and biophysical properties (such as structural, functional, and spatial information, amino acid conservation, physicochemical variation, residue mobility, and thermodynamic stability) indicates that this missense variant is not expected to disrupt SDHA protein function with a negative predictive value of 95%. In summary, the available evidence is currently insufficient to determine the role of this variant in disease. Therefore, it has been classified as a Variant of Uncertain Significance.